The following is an entry in ClinVar:

NM_000191.3(HMGCL):c.562-2A>G

Gene: HMGCL (3-hydroxy-3-methylglutaryl-CoA lyase; minus strand). Cytogenetic location: 1p36.11.
Variant type: single nucleotide variant.
Coding change: c.562-2A>G on transcript NM_000191.3 (MANE Select); the canonical splice acceptor site of the intron before coding-DNA position 562, A replaced by G.
Molecular consequence: splice acceptor variant.
Genome position (GRCh38, 1-based): chr1:23,808,325, T>C on the plus strand (A>G on the coding strand, the complement: HMGCL is on the minus strand). VCF-style: chr1-23808325-T-C. GRCh37 (hg19) VCF-style: chr1-24134815-T-C.
Other names: c.349-2A>G (NM_001166059.2).
Identifiers: ClinVar variation 556274 (VCV000556274.8), dbSNP rs1553131955, ClinGen allele CA339024599.

ClinVar aggregate classification (germline): Likely pathogenic. Review status: criteria provided, multiple submitters, no conflicts (2 of 4 stars). 3 submissions from 3 submitters: Likely pathogenic (2). 1 of the submissions does not count toward it. Last evaluated 2023-04-11.

Conditions:
Deficiency of hydroxymethylglutaryl-CoA lyase (HMGCLD). Also called: Defect in leucine metabolism; 3-hydroxy-3-methylglutaric aciduria; HMGCL DEFICIENCY; HYDROXYMETHYLGLUTARIC ACIDURIA; HMG-CoA LYASE DEFICIENCY. Identifiers: Orphanet 20, MedGen C1533587, MONDO:0009520, OMIM 246450.

Submissions (3):

Genome-Nilou Lab
Classification: Likely pathogenic for Deficiency of hydroxymethylglutaryl-CoA lyase. Last evaluated: 2023-04-11. Review status: criteria provided, single submitter. Criteria: ACMG Guidelines, 2015. Collection method: clinical testing. Allele origin: germline. Affected: no.

Labcorp Genetics (formerly Invitae), Labcorp
Classification: Likely pathogenic for Deficiency of hydroxymethylglutaryl-CoA lyase. Last evaluated: 2022-03-29. Review status: criteria provided, single submitter. Criteria: Invitae Variant Classification Sherloc (09022015). Collection method: clinical testing. Allele origin: germline.
Comment: ClinVar contains an entry for this variant (Variation ID: 556274). In summary, the currently available evidence indicates that the variant is pathogenic, but additional data are needed to prove that conclusively. Therefore, this variant has been classified as Likely Pathogenic. Algorithms developed to predict the effect of sequence changes on RNA splicing suggest that this variant may disrupt the consensus splice site. This variant has not been reported in the literature in individuals affected with HMGCL-related conditions. This variant is not present in population databases (gnomAD no frequency). This sequence change affects an acceptor splice site in intron 6 of the HMGCL gene. It is expected to disrupt RNA splicing. Variants that disrupt the donor or acceptor splice site typically lead to a loss of protein function (PMID: 16199547), and loss-of-function variants in HMGCL are known to be pathogenic (PMID: 9817922, 17692550, 23465862).

Counsyl
Classification: Likely pathogenic for Deficiency of hydroxymethylglutaryl-CoA lyase. Last evaluated: 2018-01-28. Review status: no assertion criteria provided. Collection method: clinical testing. Allele origin: unknown. Not counted in ClinVar's aggregate classification.

Literature cited by the submitters: PubMed 16199547 (cited by Labcorp Genetics (formerly Invitae), Labcorp); PubMed 9817922 (cited by Labcorp Genetics (formerly Invitae), Labcorp); PubMed 17692550 (cited by Labcorp Genetics (formerly Invitae), Labcorp); PubMed 23465862 (cited by Labcorp Genetics (formerly Invitae), Labcorp).